The following is an entry in ClinVar:

NM_145046.5(CALR3):c.91+6G>A

Gene: CALR3 (calreticulin 3; minus strand). Cytogenetic location: 19p13.11.
Variant type: single nucleotide variant.
Coding change: c.91+6G>A on transcript NM_145046.5 (MANE Select); 6 bases into the intron after coding-DNA position 91, G replaced by A.
Molecular consequence: intron variant.
Genome position (GRCh38, 1-based): chr19:16,496,033, C>T on the plus strand (G>A on the coding strand, the complement: CALR3 is on the minus strand). VCF-style: chr19-16496033-C-T. GRCh37 (hg19) VCF-style: chr19-16606844-C-T.
Identifiers: ClinVar variation 565879 (VCV000565879.7), dbSNP rs748014562, ClinGen allele CA9278530.

ClinVar aggregate classification (germline): Uncertain significance (1 of 4 stars; one submission).

Conditions:
Hypertrophic cardiomyopathy 19. Also called: Familial hypertrophic cardiomyopathy 19. Identifiers: MedGen CN077603, MONDO:0013476.

Allele frequency attached by ClinVar (database versions not stated): gnomAD 0.00001 and 0.00002; gnomAD exomes 0.00001 and 0.00007; TOPMed 0.00001; ExAC 0.00010.
gnomAD v4.1: 18 of 1,588,872 alleles (0.0011%); highest among the groups gnomAD compares: East Asian, 0.034%; no homozygotes.

Submission:

Labcorp Genetics (formerly Invitae), Labcorp
Classification: Uncertain significance for Hypertrophic cardiomyopathy 19. Last evaluated: 2026-02-01. Review status: criteria provided, single submitter. Criteria: Invitae Variant Classification Sherloc (09022015). Collection method: clinical testing. Allele origin: germline.
Comment: This sequence change falls in intron 1 of the CALR3 gene. It does not directly change the encoded amino acid sequence of the CALR3 protein. It affects a nucleotide within the consensus splice site. This variant is present in population databases (rs748014562, gnomAD 0.07%), and has an allele count higher than expected for a pathogenic variant. This variant has not been reported in the literature in individuals affected with CALR3-related conditions. ClinVar contains an entry for this variant (Variation ID: 565879). Variants that disrupt the consensus splice site are a relatively common cause of aberrant splicing (PMID: 17576681, 9536098). Algorithms developed to predict the effect of sequence changes on RNA splicing suggest that this variant is not likely to affect RNA splicing. In summary, the available evidence is currently insufficient to determine the role of this variant in disease. Therefore, it has been classified as a Variant of Uncertain Significance.

Literature cited by the submitters: PubMed 17576681; PubMed 9536098.